The following is an entry in ClinVar:

ClinVar aggregate classification (germline): Benign (3 of 4 stars; one submission).

Conditions:
Breast-ovarian cancer, familial, susceptibility to, 1 (BROVCA1). Also called: BRCA1 Hereditary Breast and Ovarian Cancer; OVARIAN CANCER, SUSCEPTIBILITY TO. Identifiers: Orphanet 145, MedGen C2676676, MONDO:0011450, OMIM 604370. Disease mechanism: loss of function.

Submission:

Evidence-based Network for the Interpretation of Germline Mutant Alleles (ENIGMA)
Classification: Benign for Breast-ovarian cancer, familial, susceptibility to, 1. Last evaluated: 2016-09-28. Review status: reviewed by expert panel. Criteria: ENIGMA BRCA1/2 Classification Criteria (2015). Collection method: curation. Allele origin: germline.
Comment: Class 1 not pathogenic based on frequency >1% in an outbred sampleset. Frequency 0.3777 (European), 0.8767 (African), 0.4337 (Admixed American/Latino), 0.3879 (East Asian), 0.5399 (South Asian), derived from 1000 genomes (2013-05-02).

NM_007294.4(BRCA1):c.4358-1475del

Gene: BRCA1 (BRCA1 DNA repair associated; minus strand). Cytogenetic location: 17q21.31.
Variant type: Deletion.
Coding change: c.4358-1475del on transcript NM_007294.4 (MANE Select); 1475 bases into the intron before coding-DNA position 4358, one base deleted (A; older notation c.4358-1475delA).
Molecular consequence: intron variant.
Genome position (GRCh38, 1-based): chr17:43,078,089, T deleted on the plus strand (A on the coding strand, the reverse complement: BRCA1 is on the minus strand); the first of 14 consecutive T bases (chr17:43,078,089-43,078,102); deleting any one gives the same sequence. VCF-style (leftmost placement, unchanged base first): chr17-43078088-CT-C. GRCh37 (hg19) VCF-style: chr17-41230105-CT-C.
Other names: c.4346-1475del (NM_001407646.1); c.923-1478del (NM_001408445.1, NM_001408450.1, NM_001408447.1 and 2 more transcripts); c.923-1475del (NM_001408432.1, NM_001408443.1, NM_001408434.1 and 5 more transcripts); c.4232-1478del (NM_001407689.1, NM_001407681.1, NM_001407941.1 and 3 more transcripts); c.4232-1475del (NM_001407670.1, NM_001407675.1, NM_001407672.1 and 5 more transcripts); c.929-1478del (NM_001408431.1); c.929-1475del (NM_001408424.1, NM_001408421.1); c.1043-1478del (NM_001408407.1); and 98 more.
Identifiers: ClinVar variation 264827 (VCV000264827.2), dbSNP rs35184764, ClinGen allele CA10588214.